The following is an entry in ClinVar:

NM_000292.3(PHKA2):c.2860C>A (p.Leu954Ile)

Gene: PHKA2 (phosphorylase kinase regulatory subunit alpha 2; minus strand). Cytogenetic location: Xp22.13.
Variant type: single nucleotide variant.
Coding change: c.2860C>A on transcript NM_000292.3 (MANE Select); coding-DNA position 2860, C replaced by A.
Protein change: p.Leu954Ile; replaces leucine 954 with isoleucine.
Molecular consequence: missense variant.
Genome position (GRCh38, 1-based): chrX:18,905,806, G>T on the plus strand (C>A on the coding strand, the complement: PHKA2 is on the minus strand). VCF-style: chrX-18905806-G-T. GRCh37 (hg19) VCF-style: chrX-18923924-G-T.
Other names: c.2860C>A, p.Leu954Ile (NM_001440800.1, NM_001440801.1, NM_001440805.1); c.2761C>A, p.Leu921Ile (NM_001440802.1, NM_001440803.1, NM_001440804.1); short protein forms L921I, L954I.
Identifiers: ClinVar variation 4992369 (VCV004992369.1).

ClinVar aggregate classification (germline): Uncertain significance (1 of 4 stars; one submission).

Conditions:
PHKA2-related disorder. Also called: PHKA2-related condition.

Submission:

PreventionGenetics, part of Exact Sciences
Classification: Uncertain significance for PHKA2-related condition. Last evaluated: 2026-02-23. Review status: criteria provided, single submitter. Criteria: ACMG Guidelines, 2015. Collection method: clinical testing. Allele origin: germline.
Comment: The PHKA2 c.2860C>A variant is predicted to result in the amino acid substitution p.Leu954Ile. To our knowledge, this variant has not been reported in the literature or in a large population database (gnomAD), indicating this variant is rare. At this time, the clinical significance of this variant is uncertain due to the absence of conclusive functional and genetic evidence.